The following is an entry in ClinVar:

ClinVar aggregate classification (germline): Uncertain significance (1 of 4 stars; one submission).

Submission:

GeneDx
Classification: Uncertain significance. Last evaluated: 2025-06-08. Review status: criteria provided, single submitter. Criteria: GeneDx Variant Classification Process June 2021. Collection method: clinical testing. Allele origin: germline. Affected: yes.
Comment: Not observed at significant frequency in large population cohorts (gnomAD); In silico analysis supports that this missense variant has a deleterious effect on protein structure/function; Has not been previously published as pathogenic or benign to our knowledge

NM_001127222.2(CACNA1A):c.44G>C (p.Gly15Ala)

Gene: CACNA1A (calcium voltage-gated channel subunit alpha1 A; minus strand). Cytogenetic location: 19p13.13.
Variant type: single nucleotide variant.
Coding change: c.44G>C on transcript NM_001127222.2 (MANE Select); coding-DNA position 44, G replaced by C.
Protein change: p.Gly15Ala; replaces glycine 15 with alanine.
Molecular consequence: missense variant.
Genome position (GRCh38, 1-based): chr19:13,506,181, C>G on the plus strand (G>C on the coding strand, the complement: CACNA1A is on the minus strand). VCF-style: chr19-13506181-C-G. GRCh37 (hg19) VCF-style: chr19-13616995-C-G.
Other names: c.44G>C, p.Gly15Ala (NM_000068.4, NM_001127221.2, NM_001174080.2 and 1 more transcripts); short protein forms G15A.
Identifiers: ClinVar variation 4536200 (VCV004536200.1).
Genomic context (GRCh38, chr19:13,506,181, plus strand): 5'-CCCCCGGCTCCTCGCCCGCCTCCGCTGCCCACGACCACCCCGGCGGCTGCCCCGGAGCCT[C>G]CTCCCCCGTAGCGGGCCGGCATCTCGTCTCCGAAGCGGGCCATTCTGCAAAGAGCAAAGG-3'
Protein context (NP_001120694.1, residues 5-25): GDEMPARYGG[Gly15Ala]GSGAAAGVVV